The following is an entry in ClinVar:

ClinVar aggregate classification (germline): Likely benign (0 of 4 stars; one submission).

Conditions:
TDRD9-related disorder. Also called: TDRD9-related condition.

Allele frequency attached by ClinVar (database versions not stated): gnomAD 0.00001; gnomAD exomes 0.00002; ExAC 0.00004; TOPMed 0.00004.
gnomAD v4.1: 35 of 1,613,832 alleles (0.0022%); highest among the groups gnomAD compares: South Asian, 0.02%; no homozygotes.

Submission:

PreventionGenetics, part of Exact Sciences
Classification: Likely benign for TDRD9-related condition. Last evaluated: 2019-06-07. Review status: no assertion criteria provided. Collection method: clinical testing. Allele origin: germline.
Comment: This variant is classified as likely benign based on ACMG/AMP sequence variant interpretation guidelines (Richards et al. 2015 PMID: 25741868, with internal and published modifications).

NM_153046.3(TDRD9):c.3261G>A (p.Thr1087=)

Gene: TDRD9 (tudor domain containing 9; plus strand). Cytogenetic location: 14q32.33.
Variant type: single nucleotide variant.
Coding change: c.3261G>A on transcript NM_153046.3 (MANE Select); coding-DNA position 3261, G replaced by A.
Protein change: p.Thr1087=; no amino-acid change (threonine 1087 retained).
Molecular consequence: synonymous variant.
Genome position (GRCh38, 1-based): chr14:104,026,918, G>A. VCF-style: chr14-104026918-G-A. GRCh37 (hg19) VCF-style: chr14-104493255-G-A.
Identifiers: ClinVar variation 3044698 (VCV003044698.2), dbSNP rs750015527, ClinGen allele CA7369069.